The following is an entry in ClinVar:

ClinVar aggregate classification (germline): Likely benign. Review status: criteria provided, multiple submitters, no conflicts (2 of 4 stars). 2 submissions from 2 submitters: Likely benign (2). Last evaluated 2023-03-22.

Conditions:
Peroxisome biogenesis disorder 3A (Zellweger). Also called: PEROXISOMAL BIOGENESIS DISORDER 3A (ZELLWEGER); Peroxisome biogenesis disorder 3A. Identifiers: Orphanet 912, MedGen C3553929, MONDO:0013927, OMIM 614859.

Allele frequency attached by ClinVar (database versions not stated): gnomAD exomes 0.00001.

Submissions (2):

Labcorp Genetics (formerly Invitae), Labcorp
Classification: Likely benign for Peroxisome biogenesis disorder 3A (Zellweger). Last evaluated: 2023-03-22. Review status: criteria provided, single submitter. Criteria: Invitae Variant Classification Sherloc (09022015). Collection method: clinical testing. Allele origin: germline.

CeGaT Center for Human Genetics Tuebingen
Classification: Likely benign. Last evaluated: 2022-04-01. Review status: criteria provided, single submitter. Criteria: CeGaT Center For Human Genetics Tuebingen Variant Classification Criteria Version 2. Collection method: clinical testing. Allele origin: germline. Affected: yes. Observed: 1 variant allele.
Comment: PEX12: PM2:Supporting, BP4, BP7

NM_000286.3(PEX12):c.492A>G (p.Pro164=)

Gene: PEX12 (peroxisomal biogenesis factor 12; minus strand). Cytogenetic location: 17q12.
Variant type: single nucleotide variant.
Coding change: c.492A>G on transcript NM_000286.3 (MANE Select); coding-DNA position 492, A replaced by G.
Protein change: p.Pro164=; no amino-acid change (proline 164 retained).
Molecular consequence: synonymous variant.
Genome position (GRCh38, 1-based): chr17:35,577,226, T>C on the plus strand (A>G on the coding strand, the complement: PEX12 is on the minus strand). VCF-style: chr17-35577226-T-C. GRCh37 (hg19) VCF-style: chr17-33904245-T-C.
Identifiers: ClinVar variation 1643724 (VCV001643724.32), dbSNP rs2142230631, ClinGen allele CA499903362.